The following is an entry in ClinVar:

NM_018026.4(PACS1):c.2539A>T (p.Asn847Tyr)

Gene: PACS1 (phosphofurin acidic cluster sorting protein 1; plus strand). Cytogenetic location: 11q13.2.
Variant type: single nucleotide variant.
Coding change: c.2539A>T on transcript NM_018026.4 (MANE Select); coding-DNA position 2539, A replaced by T.
Protein change: p.Asn847Tyr; replaces asparagine 847 with tyrosine.
Molecular consequence: missense variant.
Genome position (GRCh38, 1-based): chr11:66,241,536, A>T. VCF-style: chr11-66241536-A-T. GRCh37 (hg19) VCF-style: chr11-66009007-A-T.
Other names: short protein forms N847Y.
Identifiers: ClinVar variation 4685317 (VCV004685317.1).

ClinVar aggregate classification (germline): Uncertain significance (1 of 4 stars; one submission).

gnomAD v4.1: 2 of 1,614,232 alleles (0.00012%); highest among the groups gnomAD compares: Non-Finnish European, 0.00017%; no homozygotes.

Submission:

GeneDx
Classification: Uncertain significance. Last evaluated: 2025-07-10. Review status: criteria provided, single submitter. Criteria: GeneDx Variant Classification Process June 2021. Collection method: clinical testing. Allele origin: germline. Affected: yes.
Comment: Not observed at significant frequency in large population cohorts (gnomAD); In silico analysis supports that this missense variant has a deleterious effect on protein structure/function; Has not been previously published as pathogenic or benign to our knowledge